The following is an entry in ClinVar:

ClinVar aggregate classification (germline): Uncertain significance (1 of 4 stars; one submission).

Conditions:
Charcot-Marie-Tooth disease recessive intermediate C. Also called: CHARCOT-MARIE-TOOTH NEUROPATHY, RECESSIVE INTERMEDIATE C. Identifiers: Orphanet 369867, MedGen C3809309, MONDO:0014154, OMIM 615376.
Neuronopathy, distal hereditary motor, autosomal recessive 4. Also called: NEUROPATHY, DISTAL HEREDITARY MOTOR, AUTOSOMAL RECESSIVE 4; Autosomal recessive lower motor neuron disease with childhood onset. Identifiers: Orphanet 206580, MedGen C1970211, MONDO:0012608, OMIM 611067.

Allele frequency attached by ClinVar (database versions not stated): gnomAD exomes below 0.00001; TOPMed below 0.00001.
gnomAD v4.1: 3 of 1,612,956 alleles (0.00019%); highest among the groups gnomAD compares: Non-Finnish European, 0.00025%; no homozygotes.

Submission:

Labcorp Genetics (formerly Invitae), Labcorp
Classification: Uncertain significance for Neuronopathy, distal hereditary motor, autosomal recessive 4; Charcot-Marie-Tooth disease recessive intermediate C. Last evaluated: 2021-09-01. Review status: criteria provided, single submitter. Criteria: Invitae Variant Classification Sherloc (09022015). Collection method: clinical testing. Allele origin: germline.
Comment: This sequence change falls in intron 20 of the PLEKHG5 gene. It does not directly change the encoded amino acid sequence of the PLEKHG5 protein. It affects a nucleotide within the consensus splice site of the intron. This variant is not present in population databases (ExAC no frequency). This variant has not been reported in the literature in individuals affected with PLEKHG5-related conditions. Variants that disrupt the consensus splice site are a relatively common cause of aberrant splicing (PMID: 17576681, 9536098). Algorithms developed to predict the effect of sequence changes on RNA splicing suggest that this variant may disrupt the consensus splice site. In summary, the available evidence is currently insufficient to determine the role of this variant in disease. Therefore, it has been classified as a Variant of Uncertain Significance.

Literature cited by the submitters: PubMed 17576681; PubMed 9536098.

NM_020631.6(PLEKHG5):c.3011+6T>C

Gene: PLEKHG5 (pleckstrin homology and RhoGEF domain containing G5; minus strand). Cytogenetic location: 1p36.31.
Variant type: single nucleotide variant.
Coding change: c.3011+6T>C on transcript NM_020631.6 (MANE Select); 6 bases into the intron after coding-DNA position 3011, T replaced by C.
Molecular consequence: intron variant.
Genome position (GRCh38, 1-based): chr1:6,467,819, A>G on the plus strand (T>C on the coding strand, the complement: PLEKHG5 is on the minus strand). VCF-style: chr1-6467819-A-G. GRCh37 (hg19) VCF-style: chr1-6527879-A-G.
Other names: c.3011+6T>C (NM_198681.4, NM_001042664.2, NM_001042665.2); c.3122+6T>C (NM_001042663.3, NM_001265592.2); c.*18+6T>C (NM_001265594.3); c.3218+6T>C (NM_001265593.2).
Identifiers: ClinVar variation 642177 (VCV000642177.6), dbSNP rs1569827097, ClinGen allele CA915941104.